The following is an entry in ClinVar:

ClinVar aggregate classification (germline): Uncertain significance. Review status: criteria provided, multiple submitters, no conflicts (2 of 4 stars). 2 submissions from 2 submitters: Uncertain significance (2). Last evaluated 2025-01-15.

Conditions:
Inborn genetic diseases. Identifiers: MedGen C0950123, MeSH D030342.
Hereditary spastic paraplegia 49 (HSAN9). Also called: Spastic paraplegia 49, autosomal recessive; TECPR2-Related Hereditary Sensory and Autonomic Neuropathy with Intellectual Disability; NEUROPATHY, HEREDITARY SENSORY AND AUTONOMIC, TYPE IX, WITH DEVELOPMENTAL DELAY. Identifiers: Orphanet 320385, MedGen C5190860, MONDO:0014016, OMIM 615031.

Allele frequency attached by ClinVar (database versions not stated): TOPMed 0.00001; gnomAD exomes 0.00003.
gnomAD v4.1: 45 of 1,614,110 alleles (0.0028%); highest among the groups gnomAD compares: Middle Eastern, 0.016%; 1 homozygote.

Submissions (2):

Labcorp Genetics (formerly Invitae), Labcorp
Classification: Uncertain significance for Hereditary spastic paraplegia 49. Last evaluated: 2025-01-15. Review status: criteria provided, single submitter. Criteria: Invitae Variant Classification Sherloc (09022015). Collection method: clinical testing. Allele origin: germline.
Comment: This sequence change replaces arginine, which is basic and polar, with histidine, which is basic and polar, at codon 716 of the TECPR2 protein (p.Arg716His). This variant is present in population databases (no rsID available, gnomAD 0.003%). This variant has not been reported in the literature in individuals affected with TECPR2-related conditions. ClinVar contains an entry for this variant (Variation ID: 2161234). An algorithm developed to predict the effect of missense changes on protein structure and function outputs the following: PolyPhen-2: "Benign". The histidine amino acid residue is found in multiple mammalian species, which suggests that this missense change does not adversely affect protein function. In summary, the available evidence is currently insufficient to determine the role of this variant in disease. Therefore, it has been classified as a Variant of Uncertain Significance.

Ambry Genetics
Classification: Uncertain significance for Inborn genetic diseases. Last evaluated: 2024-08-25. Review status: criteria provided, single submitter. Criteria: Ambry Variant Classification Scheme 2023. Collection method: clinical testing. Allele origin: germline.

NM_014844.5(TECPR2):c.2147G>A (p.Arg716His)

Gene: TECPR2 (tectonin beta-propeller repeat containing 2; plus strand). Cytogenetic location: 14q32.31.
Variant type: single nucleotide variant.
Coding change: c.2147G>A on transcript NM_014844.5 (MANE Select); coding-DNA position 2147, G replaced by A.
Protein change: p.Arg716His; replaces arginine 716 with histidine.
Molecular consequence: missense variant.
Genome position (GRCh38, 1-based): chr14:102,434,964, G>A. VCF-style: chr14-102434964-G-A. GRCh37 (hg19) VCF-style: chr14-102901301-G-A.
Other names: c.2147G>A (NM_014844.3); c.2147G>A, p.Arg716His (NM_001172631.3); short protein forms R716H.
Identifiers: ClinVar variation 2161234 (VCV002161234.4), dbSNP rs868702405, ClinGen allele CA267057674.